The following is an entry in ClinVar:

NM_006514.4(SCN10A):c.3229-20C>T

Genes: SCN10A (sodium voltage-gated channel alpha subunit 10; minus strand), LOC110121288 (VISTA enhancer hs2268; plus strand). Cytogenetic location: 3p22.2.
Variant type: single nucleotide variant.
Coding change: c.3229-20C>T on transcript NM_006514.4 (MANE Select); 20 bases into the intron before coding-DNA position 3229, C replaced by T.
Molecular consequence: intron variant.
Genome position (GRCh38, 1-based): chr3:38,723,573, G>A on the plus strand (C>T on the coding strand, the complement: SCN10A is on the minus strand). VCF-style: chr3-38723573-G-A. GRCh37 (hg19) VCF-style: chr3-38765064-G-A.
Other names: c.2935-20C>T (NM_001293307.2); c.3226-20C>T (NM_001293306.2).
Identifiers: ClinVar variation 389550 (VCV000389550.16), dbSNP rs73825880, ClinGen allele CA2320301.

ClinVar aggregate classification (germline): Benign/Likely benign. Review status: criteria provided, multiple submitters, no conflicts (2 of 4 stars). 7 submissions from 7 submitters: Benign (4); Likely benign (1). 2 of the submissions do not count toward it. Last evaluated 2026-01-31.

Conditions:
Episodic pain syndrome, familial, 2 (FEPS2). Identifiers: Orphanet 306577, MedGen C3809893, MONDO:0014246, OMIM 615551.
Brugada syndrome. Also called: Sudden unexpected nocturnal death syndrome; Sudden unexplained nocturnal death syndrome; Sudden Unexplained Death Syndrome; Sudden Unexplained Nocturnal Death Syndrome (SUNDS). Identifiers: Orphanet 130, MedGen C1142166, MONDO:0015263.

Allele frequency attached by ClinVar (database versions not stated): gnomAD exomes 0.00028 and 0.00056; ExAC 0.00120; gnomAD 0.00232 and 0.00248; ESP Exome Variant Server 0.00240; TOPMed 0.00264; 1000 Genomes Project 0.00280; 1000 Genomes Project 30x 0.00328.
gnomAD v4.1: 770 of 1,569,524 alleles (0.049%); highest among the groups gnomAD compares: African/African-American, 0.81%; 2 homozygotes.

Submissions (7):

Labcorp Genetics (formerly Invitae), Labcorp
Classification: Benign for Brugada syndrome. Last evaluated: 2026-01-31. Review status: criteria provided, single submitter. Criteria: Invitae Variant Classification Sherloc (09022015). Collection method: clinical testing. Allele origin: germline.

Blueprint Genetics
Classification: Likely benign. Last evaluated: 2024-10-18. Review status: criteria provided, single submitter. Criteria: ACMG Guidelines, 2015. Collection method: clinical testing. Allele origin: germline.

Women's Health and Genetics/Laboratory Corporation of America, LabCorp
Classification: Benign. Last evaluated: 2023-12-03. Review status: criteria provided, single submitter. Criteria: LabCorp Variant Classification Summary - May 2015. Collection method: clinical testing. Allele origin: germline.

Fulgent Genetics
Classification: Benign for Episodic pain syndrome, familial, 2. Last evaluated: 2021-08-12. Review status: criteria provided, single submitter. Criteria: ACMG Guidelines, 2015. Collection method: clinical testing. Allele origin: unknown.

GeneDx
Classification: Benign. Last evaluated: 2016-10-28. Review status: criteria provided, single submitter. Criteria: GeneDx Variant Classification (06012015). Collection method: clinical testing. Allele origin: germline. Affected: yes.
Comment: This variant is considered likely benign or benign based on one or more of the following criteria: it is a conservative change, it occurs at a poorly conserved position in the protein, it is predicted to be benign by multiple in silico algorithms, and/or has population frequency not consistent with disease.

Clinical Genetics, Academic Medical Center
Classification: Benign. Review status: no assertion criteria provided. Collection method: clinical testing. Allele origin: germline. Affected: yes. Study: VKGL Data-share Consensus. Not counted in ClinVar's aggregate classification.

Joint Genome Diagnostic Labs from Nijmegen and Maastricht, Radboudumc and MUMC+
Classification: Likely benign. Review status: no assertion criteria provided. Collection method: clinical testing. Allele origin: germline. Affected: yes. Study: VKGL Data-share Consensus. Not counted in ClinVar's aggregate classification.